The following is an entry in ClinVar:

ClinVar aggregate classification (germline): Pathogenic/Likely pathogenic. Review status: criteria provided, multiple submitters, no conflicts (2 of 4 stars). 2 submissions from 2 submitters: Pathogenic (1); Likely pathogenic (1). Last evaluated 2025-12-02.

Conditions:
EYA4-related disorder. Also called: EYA4-related disorders; EYA4-related condition. Identifiers: MedGen CN239388.

Submissions (2):

GeneDx
Classification: Pathogenic. Last evaluated: 2025-12-02. Review status: criteria provided, single submitter. Criteria: GeneDx Variant Classification Process June 2021. Collection method: clinical testing. Allele origin: germline. Affected: yes.
Comment: Nonsense variant predicted to result in protein truncation or nonsense mediated decay in a gene for which loss of function is a known mechanism of disease; Not observed at significant frequency in large population cohorts (gnomAD); Has not been previously published as pathogenic or benign to our knowledge

Blueprint Genetics
Classification: Likely pathogenic for EYA4-related disorders. Last evaluated: 2023-01-18. Review status: criteria provided, single submitter. Criteria: ACMG Guidelines, 2015. Collection method: clinical testing. Allele origin: germline. Affected: yes. Observed: 1 variant allele.

NM_004100.5(EYA4):c.1537C>T (p.Gln513Ter)

Genes: EYA4 (EYA transcriptional coactivator and phosphatase 4; plus strand), TARID (TCF21 antisense RNA inducing promoter demethylation; minus strand). Cytogenetic location: 6q23.2.
Variant type: single nucleotide variant.
Coding change: c.1537C>T on transcript NM_004100.5 (MANE Select); coding-DNA position 1537, C replaced by T.
Protein change: p.Gln513Ter; replaces glutamine 513 with a stop codon.
Molecular consequence: nonsense.
Genome position (GRCh38, 1-based): chr6:133,515,356, C>T. VCF-style: chr6-133515356-C-T. GRCh37 (hg19) VCF-style: chr6-133836494-C-T.
Other names: c.1375C>T, p.Gln459Ter (NM_001301012.2); c.1555C>T, p.Gln519Ter (NM_001301013.2); c.1468C>T, p.Gln490Ter (NM_001370458.1, NM_172103.4); c.1393C>T, p.Gln465Ter (NM_001370459.1); c.1537C>T, p.Gln513Ter (NM_172105.4); short protein forms Q513*, Q459*, Q490*, Q519*, Q465*.
Identifiers: ClinVar variation 391251 (VCV000391251.5), dbSNP rs1057524017, ClinGen allele CA16604856.